The following is an entry in ClinVar:

NC_000012.11:g.(?_862732)_(1017958_?)dup

Gene: WNK1 (WNK lysine deficient protein kinase 1; plus strand). Cytogenetic location: 12p13.33.
Variant type: Duplication.
Identifiers: ClinVar variation 1413082 (VCV001413082.2).

ClinVar aggregate classification (germline): Uncertain significance (1 of 4 stars; one submission).

Conditions:
Neuropathy, hereditary sensory and autonomic, type 2A (HSAN2A). Also called: ACROOSTEOLYSIS, GIACCAI TYPE; ACROOSTEOLYSIS, NEUROGENIC; MORVAN DISEASE; NEUROPATHY, CONGENITAL SENSORY; NEUROPATHY, HEREDITARY SENSORY RADICULAR, AUTOSOMAL RECESSIVE; NEUROPATHY, HEREDITARY SENSORY, TYPE IIA. Identifiers: Orphanet 970, MedGen C2752089, MONDO:0024309, OMIM 201300.
Pseudohypoaldosteronism type 2C (PHA2C). Also called: Pseudohypoaldosteronism Type IIC. Identifiers: Orphanet 757, Orphanet 88940, MedGen C1840391, MONDO:0013778, OMIM 614492.

Submission:

Labcorp Genetics (formerly Invitae), Labcorp
Classification: Uncertain significance for Neuropathy, hereditary sensory and autonomic, type 2A; Pseudohypoaldosteronism type 2C. Last evaluated: 2022-08-12. Review status: criteria provided, single submitter. Criteria: Invitae Variant Classification Sherloc (09022015). Collection method: clinical testing. Allele origin: germline.
Comment: A copy number gain of the genomic region encompassing the full coding sequence of the WNK1 gene has been identified. The boundaries of this event are unknown as they extend beyond the assayed region for this gene and therefore may encompass additional genes. As the precise location of this event is unknown, it may be in tandem or it may be located elsewhere in the genome. This variant has not been reported in the literature in individuals affected with WNK1-related conditions. Experimental studies and prediction algorithms are not available or were not evaluated, and the functional significance of this variant is currently unknown. In summary, the available evidence is currently insufficient to determine the role of this variant in disease. Therefore, it has been classified as a Variant of Uncertain Significance.